The following is an entry in ClinVar:

NM_006031.6(PCNT):c.4471G>A (p.Glu1491Lys)

Gene: PCNT (pericentrin; plus strand). Cytogenetic location: 21q22.3.
Variant type: single nucleotide variant.
Coding change: c.4471G>A on transcript NM_006031.6 (MANE Select); coding-DNA position 4471, G replaced by A.
Protein change: p.Glu1491Lys; replaces glutamic acid 1491 with lysine.
Molecular consequence: missense variant.
Genome position (GRCh38, 1-based): chr21:46,398,038, G>A. VCF-style: chr21-46398038-G-A. GRCh37 (hg19) VCF-style: chr21-47817952-G-A.
Other names: c.4117G>A, p.Glu1373Lys (NM_001315529.2); short protein forms E1373K, E1491K.
Identifiers: ClinVar variation 4133339 (VCV004133339.2).

ClinVar aggregate classification (germline): Uncertain significance. Review status: criteria provided, multiple submitters, no conflicts (2 of 4 stars). 2 submissions from 2 submitters: Uncertain significance (2). Last evaluated 2026-03-03.

Conditions:
PCNT-related disorder. Also called: PCNT-related condition.
Inborn genetic diseases. Identifiers: MedGen C0950123, MeSH D030342.

gnomAD v4.1: 12 of 1,591,310 alleles (0.00075%); highest among the groups gnomAD compares: East Asian, 0.0023%; no homozygotes.

Submissions (2):

PreventionGenetics, part of Exact Sciences
Classification: Uncertain significance for PCNT-related condition. Last evaluated: 2026-03-03. Review status: criteria provided, single submitter. Criteria: ACMG Guidelines, 2015. Collection method: clinical testing. Allele origin: germline.
Comment: The PCNT c.4471G>A variant is predicted to result in the amino acid substitution p.Glu1491Lys. To our knowledge, this variant has not been reported in the literature. This variant is reported in 0.0047% of alleles in individuals of African descent in gnomAD. At this time, the clinical significance of this variant is uncertain due to the absence of conclusive functional and genetic evidence.

Ambry Genetics
Classification: Uncertain significance for Inborn genetic diseases. Last evaluated: 2025-08-25. Review status: criteria provided, single submitter. Criteria: Ambry Variant Classification Scheme 2023. Collection method: clinical testing. Allele origin: germline.